The following is an entry in ClinVar:

ClinVar aggregate classification (germline): Uncertain significance (1 of 4 stars; one submission).

Allele frequency attached by ClinVar (database versions not stated): gnomAD exomes below 0.00001; ExAC 0.00002.
gnomAD v4.1: 7 of 1,613,112 alleles (0.00043%); highest among the groups gnomAD compares: Middle Eastern, 0.016%; no homozygotes.

Submission:

Labcorp Genetics (formerly Invitae), Labcorp
Classification: Uncertain significance. Last evaluated: 2023-11-18. Review status: criteria provided, single submitter. Criteria: Invitae Variant Classification Sherloc (09022015). Collection method: clinical testing. Allele origin: germline.
Comment: This sequence change creates a premature translational stop signal (p.Leu433*) in the SLC7A13 gene. While this is not anticipated to result in nonsense mediated decay, it is expected to disrupt the last 38 amino acid(s) of the SLC7A13 protein. This variant is present in population databases (rs778315531, gnomAD 0.002%). This variant has not been reported in the literature in individuals affected with SLC7A13-related conditions. In summary, the available evidence is currently insufficient to determine the role of this variant in disease. Therefore, it has been classified as a Variant of Uncertain Significance.

NM_138817.3(SLC7A13):c.1298T>G (p.Leu433Ter)

Gene: SLC7A13 (solute carrier family 7 member 13; minus strand). Cytogenetic location: 8q21.3.
Variant type: single nucleotide variant.
Coding change: c.1298T>G on transcript NM_138817.3 (MANE Select); coding-DNA position 1298, T replaced by G.
Protein change: p.Leu433Ter; replaces leucine 433 with a stop codon.
Molecular consequence: nonsense.
Genome position (GRCh38, 1-based): chr8:86,214,528, A>C on the plus strand (T>G on the coding strand, the complement: SLC7A13 is on the minus strand). VCF-style: chr8-86214528-A-C. GRCh37 (hg19) VCF-style: chr8-87226757-A-C.
Other names: short protein forms L433*.
Identifiers: ClinVar variation 2892248 (VCV002892248.3), dbSNP rs778315531, ClinGen allele CA4797563.
Genomic context (GRCh38, chr8:86,214,528, plus strand): 5'-GTCATCTTCTCAAACCAAGCCAATCTTATTTTAAAATGTATTAAAGGTATGTAAAATAGT[A>C]ATCCGCTGAGAACTAACAGAAGCACGTAGACATAATGCACATTTGGAGACTTTACCAATG-3'